The following is an entry in ClinVar:

ClinVar aggregate classification (germline): Uncertain significance (1 of 4 stars; one submission).

Allele frequency attached by ClinVar (database versions not stated): TOPMed 0.00001.
gnomAD v4.1: 9 of 1,613,772 alleles (0.00056%); highest among the groups gnomAD compares: Non-Finnish European, 0.00076%; no homozygotes.

Submission:

Labcorp Genetics (formerly Invitae), Labcorp
Classification: Uncertain significance. Last evaluated: 2026-01-19. Review status: criteria provided, single submitter. Criteria: Invitae Variant Classification Sherloc (09022015). Collection method: clinical testing. Allele origin: germline.
Comment: This sequence change replaces glutamine, which is neutral and polar, with glutamic acid, which is acidic and polar, at codon 1355 of the VPS13A protein (p.Gln1355Glu). This variant is present in population databases (no rsID available, gnomAD 0.0009%). This variant has not been reported in the literature in individuals affected with VPS13A-related conditions. ClinVar contains an entry for this variant (Variation ID: 2419988). Invitae Evidence Modeling of protein sequence and biophysical properties (such as structural, functional, and spatial information, amino acid conservation, physicochemical variation, residue mobility, and thermodynamic stability) indicates that this missense variant is not expected to disrupt VPS13A protein function with a negative predictive value of 80%. In summary, the available evidence is currently insufficient to determine the role of this variant in disease. Therefore, it has been classified as a Variant of Uncertain Significance.

NM_033305.3(VPS13A):c.4063C>G (p.Gln1355Glu)

Gene: VPS13A (vacuolar protein sorting 13 homolog A; plus strand). Cytogenetic location: 9q21.2.
Variant type: single nucleotide variant.
Coding change: c.4063C>G on transcript NM_033305.3 (MANE Select); coding-DNA position 4063, C replaced by G.
Protein change: p.Gln1355Glu; replaces glutamine 1355 with glutamic acid.
Molecular consequence: missense variant.
Genome position (GRCh38, 1-based): chr9:77,308,047, C>G. VCF-style: chr9-77308047-C-G. GRCh37 (hg19) VCF-style: chr9-79922963-C-G.
Other names: c.3946C>G, p.Gln1316Glu (NM_001018037.2); c.4063C>G, p.Gln1355Glu (NM_001018038.3, NM_015186.4); short protein forms Q1316E, Q1355E.
Identifiers: ClinVar variation 2419988 (VCV002419988.4), dbSNP rs1418921836, ClinGen allele CA373853558.
Genomic context (GRCh38, chr9:77,308,047, plus strand): 5'-TTGCATGGCAATATATGGTATGAAAAAGATGGTAGTGCCTCACCTGCTGTAACAAAAGAC[C>G]AATACAGTGCCACTAGTGGAGTTACTACTAATGCTTCACACCATTCAGGAGGTATGTTTT-3'
Protein context (NP_150648.2, residues 1345-1365): GSASPAVTKD[Gln1355Glu]YSATSGVTTN